The following is an entry in ClinVar:

NM_000540.3(RYR1):c.7208G>A (p.Arg2403His)

Gene: RYR1 (ryanodine receptor 1; plus strand). Cytogenetic location: 19q13.2.
Variant type: single nucleotide variant.
Coding change: c.7208G>A on transcript NM_000540.3 (MANE Select); coding-DNA position 7208, G replaced by A.
Protein change: p.Arg2403His; replaces arginine 2403 with histidine.
Molecular consequence: missense variant.
Genome position (GRCh38, 1-based): chr19:38,499,815, G>A. VCF-style: chr19-38499815-G-A. GRCh37 (hg19) VCF-style: chr19-38990455-G-A.
Other names: p.Arg2403His; c.7208G>A, p.Arg2403His (NM_001042723.2); c.7208G>A (NM_000540.2); short protein forms R2403H.
Identifiers: ClinVar variation 1004193 (VCV001004193.10), dbSNP rs749136416, ClinGen allele CA069241.

ClinVar aggregate classification (germline): Uncertain significance. Review status: criteria provided, multiple submitters, no conflicts (2 of 4 stars). 4 submissions from 4 submitters: Uncertain significance (4). Last evaluated 2025-06-09.

Conditions:
RYR1-related disorder. Also called: RYR1-related disorders; RYR1-related condition. Identifiers: MedGen CN239331.
Malignant hyperthermia, susceptibility to, 1 (MHS1). Also called: RYR1-Related Malignant Hyperthermia Susceptibility; Anesthesia related hyperthermia; Malignant hyperpyrexia; Fulminating hyperpyrexia; Pharmacogenic myopathy; Malignant hyperthermia suceptibility 1. Identifiers: Orphanet 423, MedGen C2930980, MONDO:0007783, OMIM 145600.

Allele frequency attached by ClinVar (database versions not stated): TOPMed 0.00002; ExAC 0.00007; gnomAD exomes 0.00007.
gnomAD v4.1: 52 of 1,606,144 alleles (0.0032%); highest among the groups gnomAD compares: South Asian, 0.031%; 1 homozygote.

Submissions (4):

Color Diagnostics, LLC DBA Color Health
Classification: Uncertain significance for Malignant hyperthermia, susceptibility to, 1. Last evaluated: 2025-06-09. Review status: criteria provided, single submitter. Criteria: ACMG Guidelines, 2015. Collection method: clinical testing. Allele origin: germline.
Comment: This missense variant replaces arginine with histidine at codon 2403 of the RYR1 protein. Computational prediction is inconclusive regarding the impact of this variant on protein structure and function. To our knowledge, functional studies have not been reported for this variant. This variant has not been reported in individuals affected with RYR1-related disorders in the literature. This variant has been identified in 17/236118 chromosomes in the general population by the Genome Aggregation Database (gnomAD). The available evidence is insufficient to determine the role of this variant in disease conclusively. Therefore, this variant is classified as a Variant of Uncertain Significance.

Labcorp Genetics (formerly Invitae), Labcorp
Classification: Uncertain significance for RYR1-related disorder. Last evaluated: 2025-03-10. Review status: criteria provided, single submitter. Criteria: Invitae Variant Classification Sherloc (09022015). Collection method: clinical testing. Allele origin: germline.
Comment: This sequence change replaces arginine, which is basic and polar, with histidine, which is basic and polar, at codon 2403 of the RYR1 protein (p.Arg2403His). This variant is present in population databases (rs749136416, gnomAD 0.04%). This missense change has been observed in individual(s) with clinical features of RYR1-related conditions (internal data). ClinVar contains an entry for this variant (Variation ID: 1004193). Invitae Evidence Modeling of protein sequence and biophysical properties (such as structural, functional, and spatial information, amino acid conservation, physicochemical variation, residue mobility, and thermodynamic stability) indicates that this missense variant is not expected to disrupt RYR1 protein function with a negative predictive value of 80%. In summary, the available evidence is currently insufficient to determine the role of this variant in disease. Therefore, it has been classified as a Variant of Uncertain Significance.

Mayo Clinic Laboratories, Mayo Clinic
Classification: Uncertain significance. Last evaluated: 2024-11-13. Review status: criteria provided, single submitter. Criteria: ACMG Guidelines, 2015. Collection method: clinical testing. Allele origin: germline. Observed: 1 variant allele.

GeneDx
Classification: Uncertain significance. Last evaluated: 2023-10-30. Review status: criteria provided, single submitter. Criteria: GeneDx Variant Classification Process June 2021. Collection method: clinical testing. Allele origin: germline. Affected: yes.
Comment: In silico analysis supports that this missense variant does not alter protein structure/function; Has not been previously published as pathogenic or benign to our knowledge; This variant is associated with the following publications: (PMID: 12668474, 33767344)